The following is an entry in ClinVar:

NM_004973.4(JARID2):c.1435G>T (p.Gly479Cys)

Gene: JARID2 (jumonji and AT-rich interaction domain containing 2; plus strand). Cytogenetic location: 6p22.3.
Variant type: single nucleotide variant.
Coding change: c.1435G>T on transcript NM_004973.4 (MANE Select); coding-DNA position 1435, G replaced by T.
Protein change: p.Gly479Cys; replaces glycine 479 with cysteine.
Molecular consequence: missense variant.
Genome position (GRCh38, 1-based): chr6:15,496,660, G>T. VCF-style: chr6-15496660-G-T. GRCh37 (hg19) VCF-style: chr6-15496891-G-T.
Other names: c.919G>T, p.Gly307Cys (NM_001267040.1); short protein forms G307C, G479C.
Identifiers: ClinVar variation 5020763 (VCV005020763.1).

ClinVar aggregate classification (germline): Uncertain significance (1 of 4 stars; one submission).

gnomAD v4.1: 5 of 1,612,538 alleles (0.00031%); highest among the groups gnomAD compares: Admixed American, 0.0067%; no homozygotes.

Submission:

Dasa
Classification: Uncertain significance. Last evaluated: 2025-12-12. Review status: criteria provided, single submitter. Criteria: DASA Assertion Criteria. Collection method: clinical testing. Allele origin: germline.
Comment: NM_004973.4(JARID2):c.1435G>T (p.Gly479Cys) is a missense variant that results in the substitution of glycine with cysteine. This variant is rare in population databases. Computational prediction algorithms are consistent with a benign effect. The currently available literature and clinical evidence are not sufficient to establish a definitive association between this variant and the reported condition. Therefore, this variant is classified as a variant of uncertain significance.